The following is an entry in ClinVar:

NM_001903.5(CTNNA1):c.170A>T (p.Lys57Met)

Gene: CTNNA1 (catenin alpha 1; plus strand). Cytogenetic location: 5q31.2.
Variant type: single nucleotide variant.
Coding change: c.170A>T on transcript NM_001903.5 (MANE Select); coding-DNA position 170, A replaced by T.
Protein change: p.Lys57Met; replaces lysine 57 with methionine.
Molecular consequence: missense variant. On other transcripts: 5 prime UTR variant (1), intron variant (1).
Genome position (GRCh38, 1-based): chr5:138,783,241, A>T. VCF-style: chr5-138783241-A-T. GRCh37 (hg19) VCF-style: chr5-138118930-A-T.
Other names: c.170A>T, p.Lys57Met (NM_001290307.3, NM_001323982.2, NM_001323983.1 and 3 more transcripts); c.-37A>T (NM_001290310.3); c.-9+1212A>T (NM_001290309.3); short protein forms K57M.
Identifiers: ClinVar variation 4869493 (VCV004869493.1).

ClinVar aggregate classification (germline): Uncertain significance (1 of 4 stars; one submission).

Conditions:
Hereditary cancer-predisposing syndrome. Also called: Neoplastic Syndromes, Hereditary; Tumor predisposition; Hereditary Cancer Syndrome; Hereditary neoplastic syndrome. Identifiers: Orphanet 140162, MedGen C0027672, MeSH D009386, MONDO:0015356.

Submission:

Ambry Genetics
Classification: Uncertain significance for Hereditary cancer-predisposing syndrome. Last evaluated: 2026-05-28. Review status: criteria provided, single submitter. Criteria: Ambry Variant Classification Scheme 2023. Collection method: clinical testing. Allele origin: germline.
Comment: The p.K57M variant (also known as c.170A>T), located in coding exon 2 of the CTNNA1 gene, results from an A to T substitution at nucleotide position 170. The lysine at codon 57 is replaced by methionine, an amino acid with similar properties. This amino acid position is conserved. In addition, the in silico prediction for this alteration is inconclusive. Based on the available evidence, the clinical significance of this variant remains unclear.